The following is an entry in ClinVar:

NM_024675.4(PALB2):c.524G>A (p.Arg175Lys)

Gene: PALB2 (partner and localizer of BRCA2; minus strand). Cytogenetic location: 16p12.2.
Variant type: single nucleotide variant.
Coding change: c.524G>A on transcript NM_024675.4 (MANE Select); coding-DNA position 524, G replaced by A.
Protein change: p.Arg175Lys; replaces arginine 175 with lysine.
Molecular consequence: missense variant. On other transcripts: 5 prime UTR variant (8), intron variant (3).
Genome position (GRCh38, 1-based): chr16:23,636,022, C>T on the plus strand (G>A on the coding strand, the complement: PALB2 is on the minus strand). VCF-style: chr16-23636022-C-T. GRCh37 (hg19) VCF-style: chr16-23647343-C-T.
Other names: c.464G>A, p.Arg155Lys (NM_001407296.1); c.524G>A, p.Arg175Lys (NM_001407299.1, NM_001407301.1, NM_001407300.1 and 3 more transcripts); c.-362G>A (NM_001407304.1, NM_001407307.1, NM_001407308.1 and 5 more transcripts); c.48+5088G>A (NM_001407314.1); c.-105+5088G>A (NM_001407313.1, NM_001407312.1); short protein forms R155K, R175K.
Identifiers: ClinVar variation 2713927 (VCV002713927.3), dbSNP rs2506508864, ClinGen allele CA395136973.
Genomic context (GRCh38, chr16:23,636,022, plus strand): 5'-ATTTCAGTTACTGGTGATCTAGCAGGATTTTTGCTACTGATTTCTTCCTGTTCCTTTAGT[C>T]TTTTCCCAGACAATCTGAGTGAATCAGTGCCAAAGACACAGTCTCTCTCCTGTGAAATAA-3'
Protein context (NP_078951.2, residues 165-185): GTDSLRLSGK[Arg175Lys]LKEQEEISSK

ClinVar aggregate classification (germline): Uncertain significance (1 of 4 stars; one submission).

Conditions:
Familial cancer of breast. Also called: hereditary breast carcinoma; Hereditary breast cancer; BREAST CANCER, FAMILIAL. Identifiers: Orphanet 227535, MedGen C0346153, MONDO:0016419, OMIM 114480. Disease mechanism: loss of function.

Submission:

Labcorp Genetics (formerly Invitae), Labcorp
Classification: Uncertain significance for Familial cancer of breast. Last evaluated: 2024-01-28. Review status: criteria provided, single submitter. Criteria: Invitae Variant Classification Sherloc (09022015). Collection method: clinical testing. Allele origin: germline.
Comment: This sequence change replaces arginine, which is basic and polar, with lysine, which is basic and polar, at codon 175 of the PALB2 protein (p.Arg175Lys). This variant is not present in population databases (gnomAD no frequency). This variant has not been reported in the literature in individuals affected with PALB2-related conditions. Algorithms developed to predict the effect of missense changes on protein structure and function output the following: SIFT: "Not Available"; PolyPhen-2: "Benign"; Align-GVGD: "Not Available". The lysine amino acid residue is found in multiple mammalian species, which suggests that this missense change does not adversely affect protein function. In summary, the available evidence is currently insufficient to determine the role of this variant in disease. Therefore, it has been classified as a Variant of Uncertain Significance.